The following is an entry in ClinVar:

ClinVar aggregate classification (germline): Benign/Likely benign. Review status: criteria provided, multiple submitters, no conflicts (2 of 4 stars). 3 submissions from 3 submitters: Benign (1); Likely benign (1). 1 of the submissions does not count toward it. Last evaluated 2025-08-20.

Conditions:
SON-related disorder. Also called: SON-related condition.

Allele frequency attached by ClinVar (database versions not stated): gnomAD 0.00001.
gnomAD v4.1: 7 of 1,611,944 alleles (0.00043%); highest among the groups gnomAD compares: Admixed American, 0.01%; no homozygotes.

Submissions (3):

Labcorp Genetics (formerly Invitae), Labcorp
Classification: Benign. Last evaluated: 2025-08-20. Review status: criteria provided, single submitter. Criteria: Invitae Variant Classification Sherloc (09022015). Collection method: clinical testing. Allele origin: germline.

Blueprint Genetics
Classification: Likely benign. Last evaluated: 2020-10-05. Review status: criteria provided, single submitter. Criteria: ACMG Guidelines, 2015. Collection method: clinical testing. Allele origin: germline.

PreventionGenetics, part of Exact Sciences
Classification: Likely benign for SON-related condition. Last evaluated: 2019-03-07. Review status: no assertion criteria provided. Collection method: clinical testing. Allele origin: germline. Not counted in ClinVar's aggregate classification.
Comment: This variant is classified as likely benign based on ACMG/AMP sequence variant interpretation guidelines (Richards et al. 2015 PMID: 25741868, with internal and published modifications).

NM_138927.4(SON):c.77+6C>G

Gene: SON (SON DNA and RNA binding protein; plus strand). Cytogenetic location: 21q22.11.
Variant type: single nucleotide variant.
Coding change: c.77+6C>G on transcript NM_138927.4 (MANE Select); 6 bases into the intron after coding-DNA position 77, C replaced by G.
Molecular consequence: intron variant.
Genome position (GRCh38, 1-based): chr21:33,543,175, C>G. VCF-style: chr21-33543175-C-G. GRCh37 (hg19) VCF-style: chr21-34915481-C-G.
Other names: c.77+6C>G (NM_001291411.2, NM_001291412.3, NM_032195.3 and 1 more transcripts).
Identifiers: ClinVar variation 1392988 (VCV001392988.9), dbSNP rs201422694, ClinGen allele CA320146193.